The following is an entry in ClinVar:

ClinVar aggregate classification (germline): Likely benign (1 of 4 stars; one submission).

Conditions:
RB1-related disorder. Also called: RB1-related condition.

Submission:

PreventionGenetics, part of Exact Sciences
Classification: Likely benign for RB1-related condition. Last evaluated: 2025-06-19. Review status: criteria provided, single submitter. Criteria: ACMG Guidelines, 2015. Collection method: clinical testing. Allele origin: germline.
Comment: This variant is classified as likely benign based on ACMG/AMP sequence variant interpretation guidelines (Richards et al. 2015 PMID: 25741868, with internal and published modifications).

NM_000321.3(RB1):c.2663+5del

Gene: RB1 (RB transcriptional corepressor 1; plus strand). Cytogenetic location: 13q14.2.
Variant type: Deletion.
Coding change: c.2663+5del on transcript NM_000321.3 (MANE Select); 5 bases into the intron after coding-DNA position 2663, one base deleted (G; older notation c.2663+5delG).
Molecular consequence: intron variant.
Genome position (GRCh38, 1-based): chr13:48,476,848, G deleted; the last of 2 consecutive G bases (chr13:48,476,847-48,476,848); deleting either gives the same sequence. VCF-style (leftmost placement, unchanged base first): chr13-48476846-AG-A. GRCh37 (hg19) VCF-style: chr13-49050982-AG-A.
Other names: c.2663+5del (NM_001407165.1); c.113+5del (NM_001407168.1).
Identifiers: ClinVar variation 4988632 (VCV004988632.1).
Genomic context (GRCh38, chr13:48,476,846, plus strand): 5'-CTAAACCACTGAAAAAACTACGCTTTGATATTGAAGGATCAGATGAAGCAGATGGAAGGT[AG>A]GAACCAGTTTTGAATGTTTTCCAGTAGCCGAGATGGTCATCTGGGGAATCCAGAGTCTCA-3'